The following is an entry in ClinVar:

ClinVar aggregate classification (germline): Likely benign. Review status: reviewed by expert panel (3 of 4 stars). 6 submissions from 6 submitters: Likely benign (1). 5 of the submissions do not count toward it. Last evaluated 2026-04-07.

Conditions:
Hereditary von Willebrand disease. Identifiers: Orphanet 903, MedGen C5703318, MONDO:0019565. Inheritance: Autosomal recessive or Autosomal dominant.

Allele frequency attached by ClinVar (database versions not stated): TOPMed 0.00211; 1000 Genomes Project 0.00260; 1000 Genomes Project 30x 0.00265; ESP Exome Variant Server 0.00169; gnomAD 0.00185.

Submissions (6):

ClinGen von Willebrand Disease Variant Curation Expert Panel, ClinGen
Classification: Likely benign for Hereditary von Willebrand disease. Last evaluated: 2026-04-07. Review status: reviewed by expert panel. Criteria: ClinGen VWD 2A B M Rules. Collection method: curation. Allele origin: germline.
Comment: The NM_000552.5:c.2103C>T (p.Cys701=) variant is a synonymous variant that is not predicted by SpliceAI to impact splicing. In addition, it occurs at a nucleotide that is not conserved as shown by phyloP score of -5.58 (BP4 & BP7). The Grpmax filtering allele frequency in gnomAD v4.1 is 0.00543 (based on 442/75064 alleles in the African/African American population in addition to 2 homozygotes). This intermediate allele frequency is lower than the ClinGen VWD VCEP threshold (>0.01) for BS1 but higher than the threshold (<0.0001 for type 2A/B/M) for PM2_Supporting. The variant has been reported in a case from a hemophilia cohort, carrying F8 p.Arg564Trp and FVIII:C of 8% but no VWF antigen or activity were reported. In summary, this variant meets the criteria to be classified as likely benign for hereditary von Willebrand disease based on the ACMG/AMP criteria applied, as specified by the ClinGen VWD VCEP: BP4, BP7. (ClinGen von Willebrand Disease Expert Panel Specifications to the ACMG/AMP Variant Interpretation Guidelines for VWF Version 1.0.0)

Women's Health and Genetics/Laboratory Corporation of America, LabCorp
Classification: Likely benign. Last evaluated: 2026-02-24. Review status: criteria provided, single submitter. Criteria: LabCorp Variant Classification Summary - May 2015. Collection method: clinical testing. Allele origin: germline. Not counted in ClinVar's aggregate classification.

Quest Diagnostics Nichols Institute San Juan Capistrano
Classification: Likely benign. Last evaluated: 2025-02-11. Review status: criteria provided, single submitter. Criteria: Quest Diagnostics criteria. Collection method: clinical testing. Allele origin: unknown. Not counted in ClinVar's aggregate classification.

Mayo Clinic Laboratories, Mayo Clinic
Classification: Likely benign. Last evaluated: 2024-12-23. Review status: criteria provided, single submitter. Criteria: ACMG Guidelines, 2015. Collection method: clinical testing. Allele origin: germline. Observed: 1 variant allele. Not counted in ClinVar's aggregate classification.
Comment: BP4, BP7

Blueprint Genetics
Classification: Likely benign. Last evaluated: 2024-11-13. Review status: criteria provided, single submitter. Criteria: ACMG Guidelines, 2015. Collection method: clinical testing. Allele origin: germline. Not counted in ClinVar's aggregate classification.

ARUP Laboratories, Molecular Genetics and Genomics, ARUP Laboratories
Classification: Likely benign. Last evaluated: 2024-10-25. Review status: criteria provided, single submitter. Criteria: ARUP Molecular Germline Variant Investigation Process 2024. Collection method: clinical testing. Allele origin: germline. Not counted in ClinVar's aggregate classification.

Literature cited by the submitters: PubMed 34708896 (cited by Quest Diagnostics Nichols Institute San Juan Capistrano); PubMed 28971901 (cited by Quest Diagnostics Nichols Institute San Juan Capistrano).

NM_000552.5(VWF):c.2103C>T (p.Cys701=)

Gene: VWF (von Willebrand factor; minus strand). Cytogenetic location: 12p13.31.
Variant type: single nucleotide variant.
Coding change: c.2103C>T on transcript NM_000552.5 (MANE Select); coding-DNA position 2103, C replaced by T.
Protein change: p.Cys701=; no amino-acid change (cysteine 701 retained).
Molecular consequence: synonymous variant.
Genome position (GRCh38, 1-based): chr12:6,052,626, G>A on the plus strand (C>T on the coding strand, the complement: VWF is on the minus strand). VCF-style: chr12-6052626-G-A. GRCh37 (hg19) VCF-style: chr12-6161792-G-A.
Other names: p.Cys701=.
Identifiers: ClinVar variation 310076 (VCV000310076.15), dbSNP rs78995469, ClinGen allele CA6403175.